The following is an entry in ClinVar:

ClinVar aggregate classification (germline): Likely benign (1 of 4 stars; one submission).

Conditions:
Pontoneocerebellar hypoplasia. Also called: Pontocerebellar hypoplasia; Non-syndromic pontocerebellar hypoplasia. Identifiers: Orphanet 98523, MedGen C1261175, MONDO:0020135.

Allele frequency attached by ClinVar (database versions not stated): 1000 Genomes Project 30x 0.00172; 1000 Genomes Project 0.00180.

Submission:

Illumina Laboratory Services, Illumina
Classification: Likely benign for Pontoneocerebellar hypoplasia. Last evaluated: 2018-01-13. Review status: criteria provided, single submitter. Criteria: ICSL Variant Classification Criteria 13 December 2019. Collection method: clinical testing. Allele origin: germline.
Comment: This variant was observed in the ICSL laboratory as part of a predisposition screen in an ostensibly healthy population. It had not been previously curated by ICSL or reported in the Human Gene Mutation Database (HGMD: prior to June 1st, 2018), and was therefore a candidate for classification through an automated scoring system. Utilizing variant allele frequency, disease prevalence and penetrance estimates, and inheritance mode, an automated score was calculated to assess if this variant is too frequent to cause the disease. Based on the score and internal cut-off values, a variant classified as likely benign is not then subjected to further curation. The score for this variant resulted in a classification of likely benign for this disease.

NM_025265.4(TSEN2):c.-373C>T

Genes: TSEN2 (tRNA splicing endonuclease subunit 2; plus strand), LOC129936171 (ATAC-STARR-seq lymphoblastoid active region 19441; plus strand). Cytogenetic location: 3p25.2.
Variant type: single nucleotide variant.
Coding change: c.-373C>T on transcript NM_025265.4 (MANE Select); 373 bases upstream of the start codon, C replaced by T.
Molecular consequence: 5 prime UTR variant. On other transcripts: intron variant (4).
Genome position (GRCh38, 1-based): chr3:12,484,525, C>T. VCF-style: chr3-12484525-C-T. GRCh37 (hg19) VCF-style: chr3-12526024-C-T.
Other names: c.-121C>T (NM_001145392.2); c.-373C>T (NM_001321279.2); c.-18+8C>T (NM_001321278.2, NM_001321277.2, NM_001145393.3 and 1 more transcripts).
Identifiers: ClinVar variation 343054 (VCV000343054.5), dbSNP rs550947754, ClinGen allele CA10614738.